The following is an entry in ClinVar:

NM_206933.4(USH2A):c.1256G>T (p.Cys419Phe)

Gene: USH2A (usherin; minus strand). Cytogenetic location: 1q41.
Variant type: single nucleotide variant.
Coding change: c.1256G>T on transcript NM_206933.4 (MANE Select); coding-DNA position 1256, G replaced by T.
Protein change: p.Cys419Phe; replaces cysteine 419 with phenylalanine.
Molecular consequence: missense variant.
Genome position (GRCh38, 1-based): chr1:216,324,240, C>A on the plus strand (G>T on the coding strand, the complement: USH2A is on the minus strand). VCF-style: chr1-216324240-C-A. GRCh37 (hg19) VCF-style: chr1-216497582-C-A.
Other names: c.1256G>T, p.Cys419Phe (NM_007123.6); short protein forms C419F.
Identifiers: ClinVar variation 2359 (VCV000002359.86), dbSNP rs121912600, ClinGen allele CA252239.

ClinVar aggregate classification (germline): Pathogenic. Review status: criteria provided, multiple submitters, no conflicts (2 of 4 stars). 30 submissions from 27 submitters: Pathogenic (21). 9 of the submissions do not count toward it. Last evaluated 2026-08-04.

Conditions:
Autosomal recessive USH2A-related disorders.
Usher syndrome. Also called: Usher's syndrome; Usher Syndromes. Identifiers: Orphanet 886, MedGen CN469326, MeSH D052245, MONDO:0019501. Disease mechanism: loss of function.
USH2A-related disorder. Also called: USH2A-related disorders; USH2A-related condition. Identifiers: MedGen CN239332.
Rare genetic deafness. Identifiers: Orphanet 96210, MedGen C5680250.
Retinal dystrophy. Also called: Inherited retinal dystrophy. Identifiers: Orphanet 71862, MedGen C0854723, MeSH D058499, MONDO:0019118, HP:0000556.
Retinitis pigmentosa 39 (RP39). Identifiers: Orphanet 791, MedGen C3151138, MONDO:0013436, OMIM 613809.
Usher syndrome type 2A. Also called: RETINAL DISEASE IN USHER SYNDROME TYPE IIA, MODIFIER OF; USHER SYNDROME, TYPE IIA. Identifiers: Orphanet 231178, Orphanet 886, MedGen C1848634, MONDO:0010169, OMIM 276901.
Retinal disorder. Also called: Retinopathies; Retinal Diseases; Retinal disorders; Retinopathy. Identifiers: MedGen C0035309, MONDO:0005283, HP:0000488.

Allele frequency attached by ClinVar (database versions not stated): gnomAD exomes 0.00004; ExAC 0.00005; TOPMed 0.00005; gnomAD 0.00007 and 0.00008.
gnomAD v4.1: 153 of 1,613,326 alleles (0.0095%); highest among the groups gnomAD compares: Non-Finnish European, 0.012%; no homozygotes.

Submissions 1 to 14 of 30:

GeneDx
Classification: Pathogenic. Last evaluated: 2026-08-04. Review status: criteria provided, single submitter. Criteria: GeneDx Variant Classification Process June 2021. Collection method: clinical testing. Allele origin: germline.
Comment: In silico analysis supports that this missense variant has a deleterious effect on protein structure/function; This variant is associated with the following publications: (PMID: 24944099, 22334370, 33576794, 32853555, 34758253, 24265693, 10729113, 15043528, 22135276, 28559085, 31980526, 32176120, 33360097, 31964843, 33749171, 34906470, 32037395, 36011334, 36284670, 34781295, 35266249, 28761320, 36819107, 20301515, 37237007, 25999674, 28041643, 18641288, 24498627, 16963483, 15015129, 15325563, 37108761, 25649381, 38219857)

Genetics Laboratory, Great Ormond Street Hospital NHS Foundation Trust, North Thames Genomic Laboratory Hub
Classification: Pathogenic for Retinal disorders. Last evaluated: 2026-06-11. Review status: criteria provided, single submitter. Criteria: ACGS Best Practice Guidelines for Variant Classification in Rare Disease 2024 v1.2. Collection method: clinical testing. Allele origin: germline. Affected: yes.
Comment: PM2_moderate, PM3_very-strong

PreventionGenetics, part of Exact Sciences
Classification: Pathogenic for USH2A-related condition. Last evaluated: 2026-04-20. Review status: criteria provided, single submitter. Criteria: ACMG Guidelines, 2015. Collection method: clinical testing. Allele origin: germline.
Comment: The USH2A c.1256G>T variant is predicted to result in the amino acid substitution p.Cys419Phe. This variant has been reported multiple individuals with Usher syndrome or non-syndromic retinitis pigmentosa (see for example: Weston et al. 2000. PubMed ID: 10729113; Eisenberger. 2013. PubMed ID: 24265693; Jones et al. 2017. PubMed ID: 28761320). This variant is reported in 0.0088% of alleles in individuals of European (Non-Finnish) descent in gnomAD. This variant is interpreted as pathogenic.

CeGaT Center for Human Genetics Tuebingen
Classification: Pathogenic. Last evaluated: 2026-01-01. Review status: criteria provided, single submitter. Criteria: CeGaT Center For Human Genetics Tuebingen Variant Classification Criteria Version 2. Collection method: clinical testing. Allele origin: germline. Affected: yes. Observed: 2 variant alleles.
Comment: USH2A: PM3:Very Strong, PM2, PM5

Labcorp Genetics (formerly Invitae), Labcorp
Classification: Pathogenic. Last evaluated: 2025-12-31. Review status: criteria provided, single submitter. Criteria: Invitae Variant Classification Sherloc (09022015). Collection method: clinical testing. Allele origin: germline.
Comment: This sequence change replaces cysteine, which is neutral and slightly polar, with phenylalanine, which is neutral and non-polar, at codon 419 of the USH2A protein (p.Cys419Phe). This variant is present in population databases (rs121912600, gnomAD 0.009%). This missense change has been observed in individual(s) with Usher syndrome (PMID: 10729113, 15043528, 15241801, 22334370, 24265693, 24498627, 28041643, 28559085). In at least one individual the data is consistent with being in trans (on the opposite chromosome) from a pathogenic variant. It is commonly reported in individuals of Dutch ancestry (PMID: 15241801). ClinVar contains an entry for this variant (Variation ID: 2359). Invitae Evidence Modeling of protein sequence and biophysical properties (such as structural, functional, and spatial information, amino acid conservation, physicochemical variation, residue mobility, and thermodynamic stability) indicates that this missense variant is expected to disrupt USH2A protein function with a positive predictive value of 95%. For these reasons, this variant has been classified as Pathogenic.

3billion
Classification: Pathogenic for Retinitis pigmentosa 39. Last evaluated: 2025-12-09. Review status: criteria provided, single submitter. Criteria: ACMG Guidelines, 2015. Collection method: clinical testing. Allele origin: germline. Affected: yes.
Comment: The variant is observed at an extremely low frequency in the gnomAD v4.1.0 dataset (total allele frequency: 0.009%). Predicted Consequence/Location: Missense variant In silico tool predictions suggest damaging effect of the variant on gene or gene product [REVEL: 0.61 (>=0.6, sensitivity 0.68 and specificity 0.92); 3Cnet: 0.88 (> 0.75, sensitivity 0.96 and precision 0.92)]. The same nucleotide change resulting in the same amino acid change has been previously reported as pathogenic/likely pathogenic with strong evidence (ClinVar ID: VCV000002359 /PMID: 10729113). The variant has been reported to be in trans with a pathogenic variant as either compound heterozygous or homozygous in at least one similarly affected unrelated individual (PMID: 33749171, 36011334). A different missense change at the same codon (p.Cys419Arg) has been reported to be associated with USH2A-related disorder (ClinVar ID: VCV001913735). Therefore, this variant is classified as Pathogenic according to the recommendation of ACMG/AMP guideline.

Variantyx, Inc.
Classification: Pathogenic for Autosomal recessive USH2A-related disorders. Last evaluated: 2025-10-22. Review status: criteria provided, single submitter. Criteria: Variantyx Assertion Criteria 2022. Collection method: clinical testing. Allele origin: germline. Inheritance: Autosomal recessive inheritance.
Comment: This is a nonsynonymous variant in the USH2A gene (OMIM: 608400). Pathogenic variants in this gene have been associated with autosomal recessive USH2A-related disorders. This variant has been identified in the homozygous or compound heterozygous state in multiple unrelated affected individuals reported in the published literature (PMID: 16963483, 10729113, 15015129, 15325563, 18641288, 22334370) (PM3). The frequency of this variant in affected individuals is significantly increased compared to controls (PMID:10729113)(PS4). Mreoever, an alternate amino acid change at this position (p.Cys419Arg) has been previously reported in similarly affected individuals, which suggests that this residue is biologically important (PM5_Supporting). Computational algorithms produce conflicting evidence regarding the predicted functional impact of this variant (REVEL score: 0.608). This variant has a 0.0125% maximum allele frequency in non-founder control populations. Based on the evidence, this variant is classified as pathogenic for autosomal recessive USH2A-related disorders.

Natera, Inc.
Classification: Pathogenic for Usher syndrome type 2A. Last evaluated: 2025-08-15. Review status: criteria provided, single submitter. Criteria: Natera Variant Classification Schema (03/2026). Collection method: clinical testing. Allele origin: germline.
Comment: The c.1256G>T variant in USH2A is a missense variant predicted to cause substitution of cysteine to phenylalanine at amino acid 419. This variant is rare in the general population with a frequency below the threshold expected for the associated phenotype(s). This variant has been observed in one or more individuals affected with the associated recessive disease, as either homozygous or compound heterozygous with a second variant (PMID: 22135276, 27460420). Computational prediction algorithms indicate this variant is likely to affect gene or protein function. Given the available evidence, this variant is classified as Pathogenic.

Fulgent Genetics
Classification: Pathogenic for Usher syndrome type 2A; Retinitis pigmentosa 39. Last evaluated: 2024-05-19. Review status: criteria provided, single submitter. Criteria: ACMG Guidelines, 2015. Collection method: clinical testing. Allele origin: germline.

Blueprint Genetics
Classification: Pathogenic for USH2A-related disorders. Last evaluated: 2024-04-09. Review status: criteria provided, single submitter. Criteria: ACMG Guidelines, 2015. Collection method: clinical testing. Allele origin: germline. Affected: yes. Observed: 5 variant alleles.

Baylor Genetics
Classification: Pathogenic for Retinitis pigmentosa 39. Last evaluated: 2024-03-01. Review status: criteria provided, single submitter. Criteria: ACMG Guidelines, 2015. Collection method: clinical testing. Allele origin: unknown.

Genome-Nilou Lab
Classification: Pathogenic for Retinitis pigmentosa 39. Last evaluated: 2023-11-04. Review status: criteria provided, single submitter. Criteria: ACMG Guidelines, 2015. Collection method: clinical testing. Allele origin: germline. Affected: no.

Genome-Nilou Lab
Classification: Pathogenic for Usher syndrome type 2A. Last evaluated: 2023-11-04. Review status: criteria provided, single submitter. Criteria: ACMG Guidelines, 2015. Collection method: clinical testing. Allele origin: germline. Affected: no.

Ocular Genomics Institute, Massachusetts Eye and Ear
Classification: Pathogenic for Retinitis pigmentosa 39. Last evaluated: 2021-04-08. Review status: criteria provided, single submitter. Criteria: ACMG Guidelines, 2015. Collection method: research. Allele origin: germline. Affected: yes.
Comment: Through a review of available evidence we were able to apply the following criteria: PS4, PM2, PM3, PP1, PP3. Based on this evidence we have classified this variant as Pathogenic.